The following is an entry in ClinVar:

NM_007194.4(CHEK2):c.891_908+3del

Gene: CHEK2 (checkpoint kinase 2; minus strand). Cytogenetic location: 22q12.1.
Variant type: Deletion.
Coding change: c.891_908+3del on transcript NM_007194.4 (MANE Select); coding-DNA position 891 through 3 bases into the intron after coding-DNA position 908, 21 bases deleted (TTATATTGTTTTGGAATTGTA).
Molecular consequence: splice donor variant.
Genome position (GRCh38, 1-based): chr22:28,703,502-28,703,522, TACAATTCCAAAACAATATAA deleted on the plus strand (TTATATTGTTTTGGAATTGTA on the coding strand, the reverse complement: CHEK2 is on the minus strand); deleting any 21 consecutive bases within chr22:28,703,502-28,703,524 gives the same sequence; the c. name uses the placement nearest the transcript's 3' end. VCF-style (leftmost placement, unchanged base first): chr22-28703501-TTACAATTCCAAAACAATATAA-T. GRCh37 (hg19) VCF-style: chr22-29099489-TTACAATTCCAAAACAATATAA-T.
Other names: c.690_707+3del (NM_001349956.3); c.891_908+3del (NM_145862.3); c.228_245+3del (NM_001437942.1, NM_001257387.3); c.984_1001+3del (NM_001438295.1, NM_001438293.1); c.1020_1037+3del (NM_001438294.1, NM_001005735.3).
Identifiers: ClinVar variation 1468940 (VCV001468940.7), dbSNP rs2145876703, ClinGen allele CA2573158043.

ClinVar aggregate classification (germline): Likely pathogenic (1 of 4 stars; one submission).

Conditions:
Familial cancer of breast. Also called: hereditary breast carcinoma; BREAST CANCER, FAMILIAL; Hereditary breast cancer. Identifiers: Orphanet 227535, MedGen C0346153, MONDO:0016419, OMIM 114480. Disease mechanism: loss of function.

Submission:

Labcorp Genetics (formerly Invitae), Labcorp
Classification: Likely pathogenic for Familial cancer of breast. Last evaluated: 2021-05-08. Review status: criteria provided, single submitter. Criteria: Invitae Variant Classification Sherloc (09022015). Collection method: clinical testing. Allele origin: germline.
Comment: In summary, the currently available evidence indicates that the variant is pathogenic, but additional data are needed to prove that conclusively. Therefore, this variant has been classified as Likely Pathogenic. Algorithms developed to predict the effect of sequence changes on RNA splicing suggest that this variant may disrupt the consensus splice site, but this prediction has not been confirmed by published transcriptional studies. This variant has not been reported in the literature in individuals with CHEK2-related conditions. This variant is not present in population databases (ExAC no frequency). This variant results in the deletion of part of exon 8 (c.891_908+3del) of the CHEK2 gene. It is expected to disrupt RNA splicing. Variants that disrupt the donor or acceptor splice site typically lead to a loss of protein function (PMID: 16199547), and loss-of-function variants in CHEK2 are known to be pathogenic (PMID: 21876083, 24713400).

Literature cited by the submitters: PubMed 16199547; PubMed 21876083; PubMed 24713400.